The following is an entry in ClinVar:

ClinVar aggregate classification (germline): Pathogenic. Review status: criteria provided, multiple submitters, no conflicts (2 of 4 stars). 11 submissions from 11 submitters: Pathogenic (9). 2 of the submissions do not count toward it. Last evaluated 2026-01-28.

Conditions:
Neurodevelopmental disorder. Identifiers: MedGen C1535926, MeSH D065886, MONDO:0700092.
Glucocorticoid deficiency with achalasia (AAAS). Also called: Achalasia-addisonianism-alacrimia syndrome; ALACRIMA-ACHALASIA-ADRENAL INSUFFICIENCY NEUROLOGIC DISORDER; Achalasia-Addisonianism-Alacrima (Triple-A) Syndrome; Addisonian achalasia syndrome; Alacrima-achalasia-addisonianism; ACTH-resistant adrenal insufficiency, achalasia and alacrima. Identifiers: Orphanet 869, MedGen C0271742, MONDO:0009279, OMIM 231550.

Allele frequency attached by ClinVar (database versions not stated): gnomAD exomes 0.00002 and 0.00004; TOPMed 0.00003; ExAC 0.00005; gnomAD 0.00007.
gnomAD v4.1: 35 of 1,613,950 alleles (0.0022%); highest among the groups gnomAD compares: African/African-American, 0.013%; no homozygotes.

Submissions (11):

Labcorp Genetics (formerly Invitae), Labcorp
Classification: Pathogenic. Last evaluated: 2026-01-28. Review status: criteria provided, single submitter. Criteria: Invitae Variant Classification Sherloc (09022015). Collection method: clinical testing. Allele origin: germline.
Comment: This sequence change creates a premature translational stop signal (p.Arg478*) in the AAAS gene. While this is not anticipated to result in nonsense mediated decay, it is expected to disrupt the last 69 amino acid(s) of the AAAS protein. This variant is present in population databases (rs121918548, gnomAD 0.01%). This premature translational stop signal has been observed in individuals with triple A syndrome (PMID: 11062474, 14646395, 29874194, 30381913). It has also been observed to segregate with disease in related individuals. ClinVar contains an entry for this variant (Variation ID: 5040). Algorithms developed to predict the effect of sequence changes on RNA splicing suggest that this variant may disrupt the consensus splice site. For these reasons, this variant has been classified as Pathogenic.

Revvity Omics, Revvity
Classification: Pathogenic for Glucocorticoid deficiency with achalasia. Last evaluated: 2025-06-24. Review status: criteria provided, single submitter. Criteria: ACMG Guidelines, 2015. Collection method: clinical testing. Allele origin: germline.

Clinical Genetics Laboratory, Skane University Hospital Lund
Classification: Pathogenic for Glucocorticoid deficiency with achalasia. Last evaluated: 2024-11-29. Review status: criteria provided, single submitter. Criteria: ACMG Guidelines, 2015. Collection method: clinical testing. Allele origin: germline. Inheritance: Autosomal recessive inheritance. Affected: yes.
Comment: ACMG criterias used: PS3, PS4, PM2.

Fulgent Genetics
Classification: Pathogenic for Glucocorticoid deficiency with achalasia. Last evaluated: 2024-04-05. Review status: criteria provided, single submitter. Criteria: ACMG Guidelines, 2015. Collection method: clinical testing. Allele origin: germline.

3billion
Classification: Pathogenic for Glucocorticoid deficiency with achalasia. Last evaluated: 2023-09-04. Review status: criteria provided, single submitter. Criteria: ACMG Guidelines, 2015. Collection method: clinical testing. Allele origin: germline. Affected: yes.
Comment: The variant is observed at an extremely low frequency in the gnomAD v2.1.1 dataset (total allele frequency: 0.005%). Predicted Consequence/Location: Stop-gained (nonsense): predicted to result in a loss or disruption of normal protein function through protein truncation. The predicted truncated protein may be shortened by more than 10%. The variant has been reported at least twice as pathogenic with clinical assertions and evidence for the classification (ClinVar ID: VCV000005040 /PMID: 11062474). Therefore, this variant is classified as Pathogenic according to the recommendation of ACMG/AMP guideline.

Laboratory of Molecular Genetics (Pr. Bezieau's lab), CHU de Nantes
Classification: Pathogenic for Neurodevelopmental disorder. Last evaluated: 2021-10-07. Review status: criteria provided, single submitter. Criteria: ACMG Guidelines, 2015. Collection method: clinical testing. Allele origin: germline. Affected: yes.

GeneDx
Classification: Pathogenic. Last evaluated: 2020-11-16. Review status: criteria provided, single submitter. Criteria: GeneDx Variant Classification Process June 2021. Collection method: clinical testing. Allele origin: germline. Affected: yes.
Comment: Published functional studies demonstrate a damaging effect due to mislocalization of the ALADIN protein (Krumbholtz et al., 2006); Nonsense variant predicted to result in protein truncation, although loss-of-function variants have not been reported downstream of this position in the protein; This variant is associated with the following publications: (PMID: 11062474, 12008750, 16609705, 11914417, 14646395, 20499090, 30381913, 29874194, 31980526)

CeGaT Center for Human Genetics Tuebingen
Classification: Pathogenic. Last evaluated: 2019-04-01. Review status: criteria provided, single submitter. Criteria: CeGaT Center For Human Genetics Tuebingen Variant Classification Criteria Version 2. Collection method: clinical testing. Allele origin: germline. Affected: yes. Observed: 1 variant allele.

Pathology and Clinical Laboratory Medicine, King Fahad Medical City
Classification: Pathogenic for Glucocorticoid deficiency with achalasia. Review status: criteria provided, single submitter. Criteria: ACMG Guidelines, 2015. Collection method: clinical testing. Allele origin: germline. Affected: yes. Observed: 2 variant alleles.

Biochemical Molecular Genetic Laboratory, King Abdulaziz Medical City
Classification: Pathogenic for Glucocorticoid deficiency with achalasia. Last evaluated: 2019-01-29. Review status: no assertion criteria provided. Collection method: clinical testing. Allele origin: germline. Affected: yes. Not counted in ClinVar's aggregate classification.

OMIM
Classification: Pathogenic for ACHALASIA-ADDISONIANISM-ALACRIMA SYNDROME. Last evaluated: 2002-03-26. Review status: no assertion criteria provided. Collection method: literature only. Allele origin: germline. Not counted in ClinVar's aggregate classification.

Literature cited by the submitters: PubMed 11062474 (cited by 3 submitters); PubMed 14646395 (cited by Labcorp Genetics (formerly Invitae), Labcorp); PubMed 29874194 (cited by Labcorp Genetics (formerly Invitae), Labcorp); PubMed 30381913 (cited by Labcorp Genetics (formerly Invitae), Labcorp); PubMed 11914417 (cited by OMIM).

NM_015665.6(AAAS):c.1432C>T (p.Arg478Ter)

Gene: AAAS (aladin WD repeat nucleoporin; minus strand). Cytogenetic location: 12q13.13.
Variant type: single nucleotide variant.
Coding change: c.1432C>T on transcript NM_015665.6 (MANE Select); coding-DNA position 1432, C replaced by T.
Protein change: p.Arg478Ter; replaces arginine 478 with a stop codon.
Molecular consequence: nonsense.
Genome position (GRCh38, 1-based): chr12:53,307,698, G>A on the plus strand (C>T on the coding strand, the complement: AAAS is on the minus strand). VCF-style: chr12-53307698-G-A. GRCh37 (hg19) VCF-style: chr12-53701482-G-A.
Other names: c.1333C>T, p.Arg445Ter (NM_001173466.2); short protein forms R478*, R445*.
Identifiers: ClinVar variation 5040 (VCV000005040.59), dbSNP rs121918548, ClinGen allele CA117224.